The following is an entry in ClinVar:

ClinVar aggregate classification (germline): Benign/Likely benign. Review status: criteria provided, multiple submitters, no conflicts (2 of 4 stars). 5 submissions from 5 submitters: Benign (1); Likely benign (2). 2 of the submissions do not count toward it. Last evaluated 2026-01-28.

Conditions:
Metachromatic leukodystrophy (MLD). Also called: METACHROMATIC LEUKOENCEPHALOPATHY; SULFATIDE LIPIDOSIS; Arylsulfatase A Deficiency; ARSA DEFICIENCY; CEREBROSIDE SULFATASE DEFICIENCY; Cerebral sclerosis diffuse metachromatic form. Identifiers: Orphanet 512, MedGen C0023522, MONDO:0018868, OMIM 250100.
PSAP-related disorder. Also called: PSAP-related condition.
Sphingolipid activator protein 1 deficiency. Also called: METACHROMATIC LEUKODYSTROPHY DUE TO CEREBROSIDE SULFATASE ACTIVATOR DEFICIENCY; Saposin B Deficiency; Metachromatic leukodystrophy due to saposin B deficiency. Identifiers: Orphanet 512, MedGen C0268262, MONDO:0009590, OMIM 249900.

Allele frequency attached by ClinVar (database versions not stated): gnomAD exomes 0.00012 and 0.00034; ExAC 0.00040; gnomAD 0.00125 and 0.00134; TOPMed 0.00144; ESP Exome Variant Server 0.00154; 1000 Genomes Project 0.00160; 1000 Genomes Project 30x 0.00172.
gnomAD v4.1: 382 of 1,613,938 alleles (0.024%); highest among the groups gnomAD compares: African/African-American, 0.4%; no homozygotes.

Submissions (5):

Labcorp Genetics (formerly Invitae), Labcorp
Classification: Benign for Sphingolipid activator protein 1 deficiency. Last evaluated: 2026-01-28. Review status: criteria provided, single submitter. Criteria: Invitae Variant Classification Sherloc (09022015). Collection method: clinical testing. Allele origin: germline.

Blueprint Genetics
Classification: Likely benign. Last evaluated: 2024-06-28. Review status: criteria provided, single submitter. Criteria: ACMG Guidelines, 2015. Collection method: clinical testing. Allele origin: germline.

CeGaT Center for Human Genetics Tuebingen
Classification: Likely benign. Last evaluated: 2023-05-01. Review status: criteria provided, single submitter. Criteria: CeGaT Center For Human Genetics Tuebingen Variant Classification Criteria Version 2. Collection method: clinical testing. Allele origin: germline. Affected: yes. Observed: 1 variant allele.
Comment: PSAP: BP4, BP7

PreventionGenetics, part of Exact Sciences
Classification: Likely benign for PSAP-related condition. Last evaluated: 2020-04-29. Review status: no assertion criteria provided. Collection method: clinical testing. Allele origin: germline. Not counted in ClinVar's aggregate classification.
Comment: This variant is classified as likely benign based on ACMG/AMP sequence variant interpretation guidelines (Richards et al. 2015 PMID: 25741868, with internal and published modifications).

Natera, Inc.
Classification: Likely benign for Metachromatic leukodystrophy. Last evaluated: 2019-10-24. Review status: no assertion criteria provided. Collection method: clinical testing. Allele origin: germline. Not counted in ClinVar's aggregate classification.

NM_002778.4(PSAP):c.120C>T (p.Ser40=)

Gene: PSAP (prosaposin; minus strand). Cytogenetic location: 10q22.1.
Variant type: single nucleotide variant.
Coding change: c.120C>T on transcript NM_002778.4 (MANE Select); coding-DNA position 120, C replaced by T.
Protein change: p.Ser40=; no amino-acid change (serine 40 retained).
Molecular consequence: synonymous variant.
Genome position (GRCh38, 1-based): chr10:71,834,426, G>A on the plus strand (C>T on the coding strand, the complement: PSAP is on the minus strand). VCF-style: chr10-71834426-G-A. GRCh37 (hg19) VCF-style: chr10-73594183-G-A.
Other names: c.120C>T, p.Ser40= (NM_001042465.3, NM_001042466.3).
Identifiers: ClinVar variation 780137 (VCV000780137.38), dbSNP rs141231601, ClinGen allele CA5547897.